The following is an entry in ClinVar:

NM_170606.3(KMT2C):c.4672C>T (p.Arg1558Trp)

Gene: KMT2C (lysine methyltransferase 2C; minus strand). Cytogenetic location: 7q36.1.
Variant type: single nucleotide variant.
Coding change: c.4672C>T on transcript NM_170606.3 (MANE Select); coding-DNA position 4672, C replaced by T.
Protein change: p.Arg1558Trp; replaces arginine 1558 with tryptophan.
Molecular consequence: missense variant.
Genome position (GRCh38, 1-based): chr7:152,187,836, G>A on the plus strand (C>T on the coding strand, the complement: KMT2C is on the minus strand). VCF-style: chr7-152187836-G-A. GRCh37 (hg19) VCF-style: chr7-151884921-G-A.
Other names: short protein forms R1558W.
Identifiers: ClinVar variation 3895720 (VCV003895720.1).

ClinVar aggregate classification (germline): Uncertain significance (1 of 4 stars; one submission).

gnomAD v4.1: 14 of 1,612,238 alleles (0.00087%); highest among the groups gnomAD compares: East Asian, 0.0045%; no homozygotes.

Submission:

Women's Health and Genetics/Laboratory Corporation of America, LabCorp
Classification: Uncertain significance. Last evaluated: 2025-03-11. Review status: criteria provided, single submitter. Criteria: LabCorp Variant Classification Summary - May 2015. Collection method: clinical testing. Allele origin: germline.
Comment: Variant summary: KMT2C c.4672C>T (p.Arg1558Trp) results in a non-conservative amino acid change in the encoded protein sequence. Three of four in-silico tools predict a damaging effect of the variant on protein function. The variant allele was found at a frequency of 1.2e-05 in 249278 control chromosomes (gnomAD). The available data on variant occurrences in the general population are insufficient to allow any conclusion about variant significance. To our knowledge, no occurrence of c.4672C>T in individuals affected with Kleefstra Syndrome 2 and no experimental evidence demonstrating its impact on protein function have been reported. No submitters have cited clinical-significance assessments for this variant to ClinVar. Based on the evidence outlined above, the variant was classified as uncertain significance.